The following is an entry in ClinVar:

NM_000156.6(GAMT):c.459+17T>C

Gene: GAMT (guanidinoacetate N-methyltransferase; minus strand). Cytogenetic location: 19p13.3.
Variant type: single nucleotide variant.
Coding change: c.459+17T>C on transcript NM_000156.6 (MANE Select); 17 bases into the intron after coding-DNA position 459, T replaced by C.
Molecular consequence: intron variant.
Genome position (GRCh38, 1-based): chr19:1,399,111, A>G on the plus strand (T>C on the coding strand, the complement: GAMT is on the minus strand). VCF-style: chr19-1399111-A-G. GRCh37 (hg19) VCF-style: chr19-1399110-A-G.
Other names: c.459+17T>C (NM_138924.3).
Identifiers: ClinVar variation 386259 (VCV000386259.11), dbSNP rs1057522464, ClinGen allele CA16608094.
Genomic context (GRCh38, chr19:1,399,111, plus strand): 5'-TCAGGACGGAGGTGGGGGTGTGGGCAGAGGGGCTTCCCCGAGGGCCTCCCGCATCCCAGC[A>G]AGTCAGAGAGAACCACCTTGATGAAGTTGAACTGGTGTGTGTGCCAGGTCTCCTCCGAGA-3'

ClinVar aggregate classification (germline): Likely benign. Review status: criteria provided, multiple submitters, no conflicts (2 of 4 stars). 2 submissions from 2 submitters: Likely benign (2). Last evaluated 2025-11-22.

Conditions:
Cerebral creatine deficiency syndrome. Also called: Creatine deficiency syndromes. Identifiers: Orphanet 79172, MedGen C5244016, MONDO:0000456.

Allele frequency attached by ClinVar (database versions not stated): gnomAD exomes below 0.00001; TOPMed below 0.00001; gnomAD 0.00001.

Submissions (2):

Labcorp Genetics (formerly Invitae), Labcorp
Classification: Likely benign for Cerebral creatine deficiency syndrome. Last evaluated: 2025-11-22. Review status: criteria provided, single submitter. Criteria: Invitae Variant Classification Sherloc (09022015). Collection method: clinical testing. Allele origin: germline.

GeneDx
Classification: Likely benign. Last evaluated: 2016-05-20. Review status: criteria provided, single submitter. Criteria: GeneDx Variant Classification (06012015). Collection method: clinical testing. Allele origin: germline. Affected: yes.
Comment: This variant is considered likely benign or benign based on one or more of the following criteria: it is a conservative change, it occurs at a poorly conserved position in the protein, it is predicted to be benign by multiple in silico algorithms, and/or has population frequency not consistent with disease.